The following is an entry in ClinVar:

ClinVar aggregate classification (germline): Conflicting classifications of pathogenicity. Review status: criteria provided, conflicting classifications (1 of 4 stars). 2 submissions from 2 submitters: Uncertain significance (1); Likely benign (1). Last evaluated 2023-03-23.

Conditions:
Hereditary cancer-predisposing syndrome. Also called: Neoplastic Syndromes, Hereditary; Hereditary Cancer Syndrome; Tumor predisposition; Hereditary neoplastic syndrome. Identifiers: Orphanet 140162, MedGen C0027672, MeSH D009386, MONDO:0015356.
Hereditary breast ovarian cancer syndrome. Also called: BRCA1- and BRCA2-Associated Hereditary Breast and Ovarian Cancer; Hereditary breast and ovarian cancer; Hereditary breast and ovarian cancer syndrome; Hereditary breast and/or ovarian cancer syndrome; Hereditary breast and ovarian cancer syndrome (HBOC); Breast and ovarian cancer. Identifiers: Orphanet 145, MedGen C0677776, MeSH D061325, MONDO:0003582. Disease mechanism: loss of function.

Submissions (2):

University of Washington Department of Laboratory Medicine, University of Washington
Classification: Likely benign for Hereditary cancer-predisposing syndrome. Last evaluated: 2023-03-23. Review status: criteria provided, single submitter. Criteria: Dines et al. (Genet Med. 2020). Collection method: curation. Allele origin: germline.
Comment: Missense variant in a coldspot region where missense variants are very unlikely to be pathogenic (PMID:31911673).

BRCA2 exon 11 coldspot. Reclassification based on statistical prior probability.

Labcorp Genetics (formerly Invitae), Labcorp
Classification: Uncertain significance for Hereditary breast ovarian cancer syndrome. Last evaluated: 2019-10-06. Review status: criteria provided, single submitter. Criteria: Invitae Variant Classification Sherloc (09022015). Collection method: clinical testing. Allele origin: germline.
Comment: This variant, c.1650_1652delinsCTC, is a complex sequence change that results in the deletion of 2 and insertion of 2 amino acids in the BRCA2 protein (p.Glu550_Asp551delinsAspSer). In summary, the available evidence is currently insufficient to determine the role of this variant in disease. Therefore, it has been classified as a Variant of Uncertain Significance. Experimental studies and prediction algorithms are not available or were not evaluated, and the functional significance of this variant is currently unknown. This variant has not been reported in the literature in individuals with BRCA2-related conditions. This variant is not present in population databases (ExAC no frequency).

NM_000059.4(BRCA2):c.1650_1652delinsCTC (p.Glu550_Asp551delinsAspSer)

Gene: BRCA2 (BRCA2 DNA repair associated; plus strand). Cytogenetic location: 13q13.1.
Variant type: Indel.
Coding change: c.1650_1652delinsCTC on transcript NM_000059.4 (MANE Select); coding-DNA positions 1650 to 1652, GGA replaced by CTC.
Protein change: p.Glu550_Asp551delinsAspSer.
Molecular consequence: missense variant.
Genome position (GRCh38, 1-based): chr13:32,333,128-32,333,130, GGA replaced by CTC. VCF-style: chr13-32333128-GGA-CTC. GRCh37 (hg19) VCF-style: chr13-32907265-GGA-CTC.
Identifiers: ClinVar variation 971600 (VCV000971600.11), dbSNP rs2072418581, ClinGen allele CA1139663113.